The following is an entry in ClinVar:

Conditions:
Long QT syndrome 5 (LQT5). Identifiers: Orphanet 101016, Orphanet 768, MedGen C1867904, MONDO:0013372, OMIM 613695.

Submission:

Roden Lab, Vanderbilt University Medical Center
No classification provided (evidence only). Condition: Long QT syndrome 5. Review status: no classification provided. Collection method: in vitro. Allele origin: not applicable. Functional consequence: Effect on ion channel function.
ClinVar note: "not provided" was previously submitted as the classification for the variant. However, the classification appeared to be based only on an observation of functional data so it was converted to no classification on 2025-07-30.

NM_000219.6(KCNE1):c.11C>T (p.Ser4Phe)

Gene: KCNE1 (potassium voltage-gated channel subfamily E regulatory subunit 1; minus strand). Cytogenetic location: 21q22.12.
Variant type: single nucleotide variant.
Coding change: c.11C>T on transcript NM_000219.6 (MANE Select); coding-DNA position 11, C replaced by T.
Protein change: p.Ser4Phe; replaces serine 4 with phenylalanine.
Molecular consequence: missense variant.
Genome position (GRCh38, 1-based): chr21:34,449,624, G>A on the plus strand (C>T on the coding strand, the complement: KCNE1 is on the minus strand). VCF-style: chr21-34449624-G-A. GRCh37 (hg19) VCF-style: chr21-35821922-G-A.
Other names: c.11C>T, p.Ser4Phe (NM_001127668.4, NM_001127669.4, NM_001127670.4 and 4 more transcripts); short protein forms S4F.
Identifiers: ClinVar variation 3374079 (VCV003374079.2).